The following is an entry in ClinVar:

ClinVar aggregate classification (germline): Uncertain significance (1 of 4 stars; one submission).

Conditions:
Hereditary cancer-predisposing syndrome. Also called: Neoplastic Syndromes, Hereditary; Tumor predisposition; Hereditary Cancer Syndrome; Hereditary neoplastic syndrome. Identifiers: Orphanet 140162, MedGen C0027672, MeSH D009386, MONDO:0015356.

Submission:

Ambry Genetics
Classification: Uncertain significance for Hereditary cancer-predisposing syndrome. Last evaluated: 2025-11-24. Review status: criteria provided, single submitter. Criteria: Ambry Variant Classification Scheme 2023. Collection method: clinical testing. Allele origin: germline.
Comment: The p.D723E variant (also known as c.2169C>A), located in coding exon 15 of the KIT gene, results from a C to A substitution at nucleotide position 2169. The aspartic acid at codon 723 is replaced by glutamic acid, an amino acid with highly similar properties. This amino acid position is conserved. In addition, this alteration is predicted to be tolerated by in silico analysis. Based on the available evidence, the clinical significance of this variant remains unclear.

NM_000222.3(KIT):c.2169C>A (p.Asp723Glu)

Gene: KIT (KIT proto-oncogene, receptor tyrosine kinase; plus strand). Cytogenetic location: 4q12.
Variant type: single nucleotide variant.
Coding change: c.2169C>A on transcript NM_000222.3 (MANE Select); coding-DNA position 2169, C replaced by A.
Protein change: p.Asp723Glu; replaces aspartic acid 723 with glutamic acid.
Molecular consequence: missense variant.
Genome position (GRCh38, 1-based): chr4:54,731,355, C>A. VCF-style: chr4-54731355-C-A. GRCh37 (hg19) VCF-style: chr4-55597521-C-A.
Other names: c.2157C>A, p.Asp719Glu (NM_001093772.2, NM_001385292.1); c.2172C>A, p.Asp724Glu (NM_001385284.1); c.2166C>A, p.Asp722Glu (NM_001385285.1); c.2154C>A, p.Asp718Glu (NM_001385286.1); c.2160C>A, p.Asp720Glu (NM_001385288.1); c.2169C>A, p.Asp723Glu (NM_001385290.1); short protein forms D718E, D719E, D720E, D723E, D724E, D722E.
Identifiers: ClinVar variation 4645361 (VCV004645361.1).